The following is an entry in ClinVar:

NM_001082486.2(ACD):c.310C>T (p.His104Tyr)

Gene: ACD (ACD shelterin complex subunit and telomerase recruitment factor; minus strand). Cytogenetic location: 16q22.1.
Variant type: single nucleotide variant.
Coding change: c.310C>T on transcript NM_001082486.2 (MANE Select); coding-DNA position 310, C replaced by T.
Protein change: p.His104Tyr; replaces histidine 104 with tyrosine.
Molecular consequence: missense variant.
Genome position (GRCh38, 1-based): chr16:67,659,728, G>A on the plus strand (C>T on the coding strand, the complement: ACD is on the minus strand). VCF-style: chr16-67659728-G-A. GRCh37 (hg19) VCF-style: chr16-67693631-G-A.
Other names: c.310C>T, p.His104Tyr (NM_001410884.1); c.301C>T, p.His101Tyr (NM_022914.3); short protein forms H101Y, H104Y.
Identifiers: ClinVar variation 5001440 (VCV005001440.1).

ClinVar aggregate classification (germline): Uncertain significance (1 of 4 stars; one submission).

Conditions:
ACD-related disorder. Also called: ACD-related condition.

gnomAD v4.1: 1 of 1,613,380 alleles (0.000062%); highest among the groups gnomAD compares: South Asian, 0.0011%; no homozygotes.

Submission:

PreventionGenetics, part of Exact Sciences
Classification: Uncertain significance for ACD-related condition. Last evaluated: 2025-07-03. Review status: criteria provided, single submitter. Criteria: ACMG Guidelines, 2015. Collection method: clinical testing. Allele origin: germline.
Comment: The ACD c.568C>T variant is predicted to result in the amino acid substitution p.His190Tyr. To our knowledge, this variant has not been reported in the literature or in a large population database (gnomAD), indicating this variant is rare. At this time, the clinical significance of this variant is uncertain due to the absence of conclusive functional and genetic evidence.